The following is an entry in ClinVar:

ClinVar aggregate classification (germline): Benign/Likely benign. Review status: criteria provided, multiple submitters, no conflicts (2 of 4 stars). 4 submissions from 4 submitters: Benign (2); Likely benign (2). Last evaluated 2025-09-25.

Conditions:
Hereditary cancer-predisposing syndrome. Also called: Neoplastic Syndromes, Hereditary; Hereditary neoplastic syndrome; Hereditary Cancer Syndrome; Tumor predisposition. Identifiers: Orphanet 140162, MedGen C0027672, MeSH D009386, MONDO:0015356.
Tuberous sclerosis 2 (TSC2). Identifiers: Orphanet 805, MedGen C1860707, MONDO:0013199, OMIM 613254.
TSC2-related disorder. Also called: TSC2-Related Disorders; TSC2-related condition.

gnomAD v4.1: 1 of 1,613,016 alleles (0.000062%); highest among the groups gnomAD compares: East Asian, 0.0022%; no homozygotes.

Submissions (4):

PreventionGenetics, part of Exact Sciences
Classification: Likely benign for TSC2-related condition. Last evaluated: 2025-09-25. Review status: criteria provided, single submitter. Criteria: ACMG Guidelines, 2015. Collection method: clinical testing. Allele origin: germline.
Comment: This variant is classified as likely benign based on ACMG/AMP sequence variant interpretation guidelines (Richards et al. 2015 PMID: 25741868, with internal and published modifications).

Myriad Genetics, Inc.
Classification: Benign for Tuberous sclerosis 2. Last evaluated: 2025-05-29. Review status: criteria provided, single submitter. Criteria: Myriad Autosomal Dominant, Autosomal Recessive and X-Linked Classification Criteria (2023). Collection method: clinical testing. Allele origin: unknown.
Comment: This variant is considered benign. This variant is a silent/synonymous amino acid change and it is not expected to impact splicing.

Labcorp Genetics (formerly Invitae), Labcorp
Classification: Benign for Tuberous sclerosis 2. Last evaluated: 2024-10-21. Review status: criteria provided, single submitter. Criteria: Invitae Variant Classification Sherloc (09022015). Collection method: clinical testing. Allele origin: germline.

Ambry Genetics
Classification: Likely benign for Hereditary cancer-predisposing syndrome. Last evaluated: 2020-12-14. Review status: criteria provided, single submitter. Criteria: Ambry Variant Classification Scheme 2023. Collection method: clinical testing. Allele origin: germline.

NM_000548.5(TSC2):c.3504G>A (p.Lys1168=)

Gene: TSC2 (TSC complex subunit 2; plus strand). Cytogenetic location: 16p13.3.
Variant type: single nucleotide variant.
Coding change: c.3504G>A on transcript NM_000548.5 (MANE Select); coding-DNA position 3504, G replaced by A.
Protein change: p.Lys1168=; no amino-acid change (lysine 1168 retained).
Molecular consequence: synonymous variant. On other transcripts: non-coding transcript variant (5).
Genome position (GRCh38, 1-based): chr16:2,080,271, G>A. VCF-style: chr16-2080271-G-A. GRCh37 (hg19) VCF-style: chr16-2130272-G-A.
Other names: c.3504G>A (NM_000548.4); c.3372G>A, p.Lys1124= (NM_001077183.3, NM_001370404.1, NM_001406665.1); c.3504G>A, p.Lys1168= (NM_001114382.3); c.3264G>A, p.Lys1088= (NM_001318827.2); c.3228G>A, p.Lys1076= (NM_001318829.2); c.2772G>A, p.Lys924= (NM_001318831.2, NM_001406687.1, NM_001406688.1); c.3405G>A, p.Lys1135= (NM_001318832.2); c.3375G>A, p.Lys1125= (NM_001363528.2, NM_001370405.1, NM_021055.3); and 19 more.
Identifiers: ClinVar variation 1732103 (VCV001732103.7), dbSNP rs1247259128, ClinGen allele CA493042973.